The following is an entry in ClinVar:

ClinVar aggregate classification (germline): Pathogenic (1 of 4 stars; one submission).

Submission:

Labcorp Genetics (formerly Invitae), Labcorp
Classification: Pathogenic. Last evaluated: 2020-02-10. Review status: criteria provided, single submitter. Criteria: Invitae Variant Classification Sherloc (09022015). Collection method: clinical testing. Allele origin: germline.
Comment: Loss-of-function variants in KIAA2022 are known to be pathogenic (PMID: 23615299). This variant has not been reported in the literature in individuals with KIAA2022-related conditions. ClinVar contains an entry for this variant (Variation ID: 541124). This variant is not present in population databases (ExAC no frequency). This sequence change creates a premature translational stop signal (p.Thr1076Profs*14) in the KIAA2022 gene. It is expected to result in an absent or disrupted protein product. For these reasons, this variant has been classified as Pathogenic.

Literature cited by the submitters: PubMed 23615299.

NM_001008537.3(NEXMIF):c.3226del (p.Thr1076fs)

Gene: NEXMIF (neurite extension and migration factor; minus strand). Cytogenetic location: Xq13.3.
Variant type: Deletion.
Coding change: c.3226del on transcript NM_001008537.3 (MANE Select); coding-DNA position 3226, one base deleted (A; older notation c.3226delA).
Protein change: p.Thr1076fs; shifts the reading frame from threonine 1076.
Molecular consequence: frameshift variant.
Genome position (GRCh38, 1-based): chrX:74,741,331, T deleted on the plus strand (A on the coding strand, the reverse complement: NEXMIF is on the minus strand). VCF-style (leftmost placement, unchanged base first): chrX-74741330-GT-G. GRCh37 (hg19) VCF-style: chrX-73961165-GT-G.
Other names: short protein forms T1076fs.
Identifiers: ClinVar variation 541124 (VCV000541124.7), dbSNP rs1556016352, ClinGen allele CA658799809.